The following is an entry in ClinVar:

ClinVar aggregate classification (germline): Uncertain significance (1 of 4 stars; one submission).

Conditions:
Biotin-responsive basal ganglia disease (BTBGD). Also called: Thiamine Transporter-2 Deficiency; Thiamine metabolism dysfunction syndrome type 2; THIAMINE METABOLISM DYSFUNCTION SYNDROME 2 (BIOTIN- AND THIAMINE-RESPONSIVE TYPE); Thiamine metabolism dysfunction syndrome 2 (biotin- or thiamine-responsive encephalopathy type 2); thiamine-responsive encephalopathy. Identifiers: Orphanet 199348, Orphanet 65284, MedGen C1843807, MONDO:0011841, OMIM 607483.

Allele frequency attached by ClinVar (database versions not stated): gnomAD exomes below 0.00001.
gnomAD v4.1: 1 of 1,614,078 alleles (0.000062%); highest among the groups gnomAD compares: African/African-American, 0.0013%; no homozygotes.

Submission:

Labcorp Genetics (formerly Invitae), Labcorp
Classification: Uncertain significance for Biotin-responsive basal ganglia disease. Last evaluated: 2021-02-15. Review status: criteria provided, single submitter. Criteria: Invitae Variant Classification Sherloc (09022015). Collection method: clinical testing. Allele origin: germline.
Comment: Advanced modeling of protein sequence and biophysical properties (such as structural, functional, and spatial information, amino acid conservation, physicochemical variation, residue mobility, and thermodynamic stability) performed at Invitae indicates that this missense variant is not expected to disrupt SLC19A3 protein function. In summary, the available evidence is currently insufficient to determine the role of this variant in disease. Therefore, it has been classified as a Variant of Uncertain Significance. This variant has not been reported in the literature in individuals with SLC19A3-related conditions. This variant is not present in population databases (ExAC no frequency). This sequence change replaces methionine with isoleucine at codon 421 of the SLC19A3 protein (p.Met421Ile). The methionine residue is weakly conserved and there is a small physicochemical difference between methionine and isoleucine.

NM_025243.4(SLC19A3):c.1263G>A (p.Met421Ile)

Gene: SLC19A3 (solute carrier family 19 member 3; minus strand). Cytogenetic location: 2q36.3.
Variant type: single nucleotide variant.
Coding change: c.1263G>A on transcript NM_025243.4 (MANE Select); coding-DNA position 1263, G replaced by A.
Protein change: p.Met421Ile; replaces methionine 421 with isoleucine.
Molecular consequence: missense variant.
Genome position (GRCh38, 1-based): chr2:227,688,217, C>T on the plus strand (G>A on the coding strand, the complement: SLC19A3 is on the minus strand). VCF-style: chr2-227688217-C-T. GRCh37 (hg19) VCF-style: chr2-228552933-C-T.
Other names: c.1263G>A, p.Met421Ile (NM_001371411.1, NM_001371412.1); c.1251G>A, p.Met417Ile (NM_001371413.1, NM_001371414.1); short protein forms M421I, M417I.
Identifiers: ClinVar variation 1477590 (VCV001477590.8), dbSNP rs2106318142, ClinGen allele CA350875433.